The following is an entry in ClinVar:

ClinVar aggregate classification (germline): Uncertain significance (1 of 4 stars; one submission).

gnomAD v4.1: 1 of 1,614,190 alleles (0.000062%); highest among the groups gnomAD compares: Non-Finnish European, 0.000085%; no homozygotes.

Submission:

Labcorp Genetics (formerly Invitae), Labcorp
Classification: Uncertain significance. Last evaluated: 2023-08-31. Review status: criteria provided, single submitter. Criteria: Invitae Variant Classification Sherloc (09022015). Collection method: clinical testing. Allele origin: germline.
Comment: This sequence change replaces isoleucine, which is neutral and non-polar, with leucine, which is neutral and non-polar, at codon 401 of the TWNK protein (p.Ile401Leu). In summary, the available evidence is currently insufficient to determine the role of this variant in disease. Therefore, it has been classified as a Variant of Uncertain Significance. Advanced modeling of protein sequence and biophysical properties (such as structural, functional, and spatial information, amino acid conservation, physicochemical variation, residue mobility, and thermodynamic stability) performed at Invitae indicates that this missense variant is not expected to disrupt TWNK protein function. This variant has not been reported in the literature in individuals affected with TWNK-related conditions. This variant is not present in population databases (gnomAD no frequency).

NM_021830.5(TWNK):c.1201A>C (p.Ile401Leu)

Gene: TWNK (twinkle mtDNA helicase; plus strand). Cytogenetic location: 10q24.31.
Variant type: single nucleotide variant.
Coding change: c.1201A>C on transcript NM_021830.5 (MANE Select); coding-DNA position 1201, A replaced by C.
Protein change: p.Ile401Leu; replaces isoleucine 401 with leucine.
Molecular consequence: missense variant. On other transcripts: non-coding transcript variant (4), intron variant (3).
Genome position (GRCh38, 1-based): chr10:100,989,411, A>C. VCF-style: chr10-100989411-A-C. GRCh37 (hg19) VCF-style: chr10-102749168-A-C.
Other names: c.1201A>C, p.Ile401Leu (NM_001163812.2); c.-119-233A>C (NM_001163814.2, NM_001163813.2); c.-57-295A>C (NM_001368275.1); short protein forms I401L.
Identifiers: ClinVar variation 2789181 (VCV002789181.3), dbSNP rs2493634444, ClinGen allele CA378210045.